The following is an entry in ClinVar:

NM_003055.3(SLC18A3):c.137A>G (p.Asp46Gly)

Genes: CHAT (choline O-acetyltransferase; plus strand), SLC18A3 (solute carrier family 18 member A3; plus strand). Cytogenetic location: 10q11.23.
Variant type: single nucleotide variant.
Coding change: c.137A>G on transcript NM_003055.3 (MANE Select); coding-DNA position 137, A replaced by G.
Protein change: p.Asp46Gly; replaces aspartic acid 46 with glycine.
Molecular consequence: missense variant. On other transcripts: intron variant (1).
Genome position (GRCh38, 1-based): chr10:49,610,877, A>G. VCF-style: chr10-49610877-A-G. GRCh37 (hg19) VCF-style: chr10-50818923-A-G.
Other names: c.-69+1678A>G (NM_020984.4); short protein forms D46G.
Identifiers: ClinVar variation 1390102 (VCV001390102.7), dbSNP rs1325736326, ClinGen allele CA376716009.

ClinVar aggregate classification (germline): Uncertain significance (1 of 4 stars; one submission).

Submission:

Labcorp Genetics (formerly Invitae), Labcorp
Classification: Uncertain significance. Last evaluated: 2022-03-18. Review status: criteria provided, single submitter. Criteria: Invitae Variant Classification Sherloc (09022015). Collection method: clinical testing. Allele origin: germline.
Comment: In summary, the available evidence is currently insufficient to determine the role of this variant in disease. Therefore, it has been classified as a Variant of Uncertain Significance. Algorithms developed to predict the effect of missense changes on protein structure and function are either unavailable or do not agree on the potential impact of this missense change (SIFT: "Deleterious"; PolyPhen-2: "Probably Damaging"; Align-GVGD: "Class C0"). This variant has not been reported in the literature in individuals affected with SLC18A3-related conditions. This variant is not present in population databases (gnomAD no frequency). This sequence change replaces aspartic acid, which is acidic and polar, with glycine, which is neutral and non-polar, at codon 46 of the SLC18A3 protein (p.Asp46Gly).